The following is an entry in ClinVar:

ClinVar aggregate classification (germline): Uncertain significance (1 of 4 stars; one submission).

Conditions:
Vici syndrome (VICIS). Identifiers: Orphanet 1493, MedGen C1855772, MONDO:0009452, OMIM 242840.

Allele frequency attached by ClinVar (database versions not stated): gnomAD exomes below 0.00001; gnomAD 0.00001.
gnomAD v4.1: 8 of 1,614,006 alleles (0.0005%); highest among the groups gnomAD compares: Admixed American, 0.0017%; no homozygotes.

Submission:

Labcorp Genetics (formerly Invitae), Labcorp
Classification: Uncertain significance for Vici syndrome. Last evaluated: 2022-03-22. Review status: criteria provided, single submitter. Criteria: Invitae Variant Classification Sherloc (09022015). Collection method: clinical testing. Allele origin: germline.
Comment: In summary, the available evidence is currently insufficient to determine the role of this variant in disease. Therefore, it has been classified as a Variant of Uncertain Significance. Algorithms developed to predict the effect of missense changes on protein structure and function are either unavailable or do not agree on the potential impact of this missense change (SIFT: "Deleterious"; PolyPhen-2: "Probably Damaging"; Align-GVGD: "Class C0"). This variant has not been reported in the literature in individuals affected with EPG5-related conditions. This variant is present in population databases (no rsID available, gnomAD 0.003%). This sequence change replaces histidine, which is basic and polar, with glutamine, which is neutral and polar, at codon 694 of the EPG5 protein (p.His694Gln).

NM_020964.3(EPG5):c.2082T>A (p.His694Gln)

Gene: EPG5 (ectopic P-granules 5 autophagy tethering factor; minus strand). Cytogenetic location: 18q21.1.
Variant type: single nucleotide variant.
Coding change: c.2082T>A on transcript NM_020964.3 (MANE Select); coding-DNA position 2082, T replaced by A.
Protein change: p.His694Gln; replaces histidine 694 with glutamine.
Molecular consequence: missense variant.
Genome position (GRCh38, 1-based): chr18:45,939,617, A>T on the plus strand (T>A on the coding strand, the complement: EPG5 is on the minus strand). VCF-style: chr18-45939617-A-T. GRCh37 (hg19) VCF-style: chr18-43519583-A-T.
Other names: short protein forms H694Q.
Identifiers: ClinVar variation 1399649 (VCV001399649.7), dbSNP rs929769017, ClinGen allele CA299781985.